The following is an entry in ClinVar:

ClinVar aggregate classification (germline): Likely pathogenic (1 of 4 stars; one submission).

Conditions:
Cardiovascular phenotype. Identifiers: MedGen CN230736.

Submission:

Ambry Genetics
Classification: Likely pathogenic for Cardiovascular phenotype. Last evaluated: 2025-08-15. Review status: criteria provided, single submitter. Criteria: Ambry Variant Classification Scheme 2023. Collection method: clinical testing. Allele origin: germline.
Comment: The c.51502delG variant, located in coding exon 153 of the TTN gene, results from a deletion of one nucleotide at nucleotide position 51502, causing a translational frameshift with a predicted alternate stop codon (p.E17168Kfs*10). This exon is located in the A-band region of the N2-B isoform of the titin protein and is constitutively expressed in TTN transcripts (percent spliced in or PSI 100%). This alteration is expected to result in loss of function by premature protein truncation or nonsense-mediated mRNA decay. While truncating variants in TTN are present in 1-3% of the general population, truncating variants in the A-band are the most common cause of dilated cardiomyopathy (DCM) (Herman DS et al. N. Engl. J. Med., 2012 Feb;366:619-28; Roberts AM et al. Sci Transl Med, 2015 Jan;7:270ra6). TTN truncating variants encoded in constitutive exons (PSI >90%) have been found to be significantly associated with DCM regardless of their position in titin (Schafer S et al. Nat. Genet., 2017 01;49:46-53). This variant is considered to be rare based on population cohorts in the Genome Aggregation Database (gnomAD). Based on the majority of available evidence to date, this variant is likely to be pathogenic.

NM_001267550.2(TTN):c.78697del (p.Glu26233fs)

Genes: TTN (titin; minus strand), TTN-AS1 (TTN antisense RNA 1; plus strand). Cytogenetic location: 2q31.2.
Variant type: Deletion.
Coding change: c.78697del on transcript NM_001267550.2 (MANE Select); coding-DNA position 78697, one base deleted (G; older notation c.78697delG).
Protein change: p.Glu26233fs; shifts the reading frame from glutamic acid 26233.
Molecular consequence: frameshift variant.
Genome position (GRCh38, 1-based): chr2:178,567,435, C deleted on the plus strand (G on the coding strand, the reverse complement: TTN is on the minus strand); the first of 2 consecutive C bases (chr2:178,567,435-178,567,436); deleting either gives the same sequence. VCF-style (leftmost placement, unchanged base first): chr2-178567434-TC-T. GRCh37 (hg19) VCF-style: chr2-179432161-TC-T.
Other names: c.51502delG (NM_003319.4); c.73774del, p.Glu24592fs (NM_001256850.1); c.51502del, p.Glu17168fs (NM_003319.4); c.70993del, p.Glu23665fs (NM_133378.4); c.51877del, p.Glu17293fs (NM_133432.3); c.52078del, p.Glu17360fs (NM_133437.4); short protein forms E17168fs, E17293fs, E17360fs, E23665fs, E24592fs, E26233fs.
Identifiers: ClinVar variation 3223295 (VCV003223295.2), dbSNP rs2468323213, ClinGen allele CA2825001023.